The following is an entry in ClinVar:

ClinVar aggregate classification (germline): Uncertain significance. Review status: criteria provided, multiple submitters, no conflicts (2 of 4 stars). 2 submissions from 2 submitters: Uncertain significance (2). Last evaluated 2025-07-31.

Submissions (2):

Labcorp Genetics (formerly Invitae), Labcorp
Classification: Uncertain significance. Last evaluated: 2025-07-31. Review status: criteria provided, single submitter. Criteria: Invitae Variant Classification Sherloc (09022015). Collection method: clinical testing. Allele origin: germline.
Comment: This sequence change replaces alanine, which is neutral and non-polar, with threonine, which is neutral and polar, at codon 263 of the BEST1 protein (p.Ala263Thr). This variant is not present in population databases (gnomAD no frequency). This variant has not been reported in the literature in individuals affected with BEST1-related conditions. Invitae Evidence Modeling of protein sequence and biophysical properties (such as structural, functional, and spatial information, amino acid conservation, physicochemical variation, residue mobility, and thermodynamic stability) indicates that this missense variant is expected to disrupt BEST1 protein function with a positive predictive value of 95%. In summary, the available evidence is currently insufficient to determine the role of this variant in disease. Therefore, it has been classified as a Variant of Uncertain Significance.

Blueprint Genetics
Classification: Uncertain significance. Last evaluated: 2020-02-04. Review status: criteria provided, single submitter. Criteria: ACMG Guidelines, 2015. Collection method: clinical testing. Allele origin: germline.

NM_004183.4(BEST1):c.787G>A (p.Ala263Thr)

Gene: BEST1 (bestrophin 1; plus strand). Cytogenetic location: 11q12.3.
Variant type: single nucleotide variant.
Coding change: c.787G>A on transcript NM_004183.4 (MANE Select); coding-DNA position 787, G replaced by A.
Protein change: p.Ala263Thr; replaces alanine 263 with threonine.
Molecular consequence: missense variant. On other transcripts: 5 prime UTR variant (1), non-coding transcript variant (1), intron variant (3).
Genome position (GRCh38, 1-based): chr11:61,958,218, G>A. VCF-style: chr11-61958218-G-A. GRCh37 (hg19) VCF-style: chr11-61725690-G-A.
Other names: c.607G>A, p.Ala203Thr (NM_001139443.3, NM_001300786.2, NM_001300787.2 and 1 more transcripts); c.469G>A, p.Ala157Thr (NM_001363591.3); c.787G>A, p.Ala263Thr (NM_001363592.2, NM_001440571.1, NM_001440572.1); c.-389G>A (NM_001363593.3); c.714+754G>A (NM_001440573.1); c.534+754G>A (NM_001440575.1, NM_001440576.1); short protein forms A157T, A203T, A263T.
Identifiers: ClinVar variation 4800407 (VCV004800407.2).